The following is an entry in ClinVar:

ClinVar aggregate classification (germline): Pathogenic (1 of 4 stars; one submission).

Conditions:
Primary ciliary dyskinesia. Also called: Ciliary dyskinesia. Identifiers: Orphanet 244, MedGen C0008780, MONDO:0016575, HP:0012265.

Allele frequency attached by ClinVar (database versions not stated): gnomAD 0.00001.

Submission:

Labcorp Genetics (formerly Invitae), Labcorp
Classification: Pathogenic for Primary ciliary dyskinesia. Last evaluated: 2020-10-13. Review status: criteria provided, single submitter. Criteria: Invitae Variant Classification Sherloc (09022015). Collection method: clinical testing. Allele origin: germline.
Comment: This sequence change creates a premature translational stop signal (p.Ile1135Leufs*45) in the DNAH5 gene. It is expected to result in an absent or disrupted protein product. Loss-of-function variants in DNAH5 are known to be pathogenic (PMID: 11788826, 16627867). This variant is not present in population databases (ExAC no frequency). This variant has not been reported in the literature in individuals with DNAH5-related conditions. ClinVar contains an entry for this variant (Variation ID: 937682). For these reasons, this variant has been classified as Pathogenic.

Literature cited by the submitters: PubMed 11788826; PubMed 16627867.

NM_001369.3(DNAH5):c.3403del (p.Ile1135fs)

Genes: DNAH5 (dynein axonemal heavy chain 5; minus strand), DNAH5-AS1 (DNAH5 antisense RNA 1; plus strand). Cytogenetic location: 5p15.2.
Variant type: Deletion.
Coding change: c.3403del on transcript NM_001369.3 (MANE Select); coding-DNA position 3403, one base deleted (A; older notation c.3403delA).
Protein change: p.Ile1135fs; shifts the reading frame from isoleucine 1135.
Molecular consequence: frameshift variant.
Genome position (GRCh38, 1-based): chr5:13,871,759, T deleted on the plus strand (A on the coding strand, the reverse complement: DNAH5 is on the minus strand). VCF-style (leftmost placement, unchanged base first): chr5-13871758-AT-A. GRCh37 (hg19) VCF-style: chr5-13871867-AT-A.
Other names: short protein forms I1135fs.
Identifiers: ClinVar variation 937682 (VCV000937682.8), dbSNP rs1199019362, ClinGen allele CA557876990.